The following is an entry in ClinVar:

NM_015560.2(OPA1):c.-580A>C

Genes: ATP13A4 (ATPase 13A4; minus strand), OPA1 (OPA1 mitochondrial dynamin like GTPase; plus strand). Cytogenetic location: 3q29.
Variant type: single nucleotide variant.
Coding change: c.-580A>C on transcript NM_015560.2; 580 bases upstream of the start codon, A replaced by C.
Genome position (GRCh38, 1-based): chr3:193,592,798, A>C. VCF-style: chr3-193592798-A-C. GRCh37 (hg19) VCF-style: chr3-193310587-A-C.
Identifiers: ClinVar variation 673600 (VCV000673600.3), dbSNP rs73067625, ClinGen allele CA90547359.
Genomic context (GRCh38, chr3:193,592,798, plus strand): 5'-CTCTTCGTCCTGCTTCTCACCTCCCATGATTGCCCTAACGATGTGAAAGTGCTTTCAAAC[A>C]AAGATGCCCAAGAAAGAAGGTAGGCAAATGTGCAAGCATTAGTTTGTAGTACGCTATTAC-3'

ClinVar aggregate classification (germline): Likely benign (1 of 4 stars; one submission).

Allele frequency attached by ClinVar (database versions not stated): gnomAD 0.00734 and 0.00741; 1000 Genomes Project 0.01178; TOPMed 0.00807; 1000 Genomes Project 30x 0.01312.
gnomAD v4.1: 1,103 of 152,308 alleles (0.72%); highest among the groups gnomAD compares: African/African-American, 2.1%; 10 homozygotes.

Submission:

GeneDx
Classification: Likely benign. Last evaluated: 2018-06-16. Review status: criteria provided, single submitter. Criteria: GeneDx Variant Classification (06012015). Collection method: clinical testing. Allele origin: germline. Affected: yes.
Comment: This variant is considered likely benign or benign based on one or more of the following criteria: it is a conservative change, it occurs at a poorly conserved position in the protein, it is predicted to be benign by multiple in silico algorithms, and/or has population frequency not consistent with disease.